The following is an entry in ClinVar:

NM_032043.3(BRIP1):c.636C>G (p.Gly212=)

Gene: BRIP1 (BRCA1 interacting DNA helicase 1; minus strand). Cytogenetic location: 17q23.2.
Variant type: single nucleotide variant.
Coding change: c.636C>G on transcript NM_032043.3 (MANE Select); coding-DNA position 636, C replaced by G.
Protein change: p.Gly212=; no amino-acid change (glycine 212 retained).
Molecular consequence: synonymous variant.
Genome position (GRCh38, 1-based): chr17:61,808,749, G>C on the plus strand (C>G on the coding strand, the complement: BRIP1 is on the minus strand). VCF-style: chr17-61808749-G-C. GRCh37 (hg19) VCF-style: chr17-59886110-G-C.
Identifiers: ClinVar variation 1753096 (VCV001753096.5), dbSNP rs1057520255, ClinGen allele CA501335366.

ClinVar aggregate classification (germline): Benign/Likely benign. Review status: criteria provided, multiple submitters, no conflicts (2 of 4 stars). 3 submissions from 3 submitters: Benign (1); Likely benign (2). Last evaluated 2024-08-22.

Conditions:
Familial cancer of breast. Also called: BREAST CANCER, FAMILIAL; Hereditary breast cancer; hereditary breast carcinoma. Identifiers: Orphanet 227535, MedGen C0346153, MONDO:0016419, OMIM 114480. Disease mechanism: loss of function.
Hereditary cancer-predisposing syndrome. Also called: Neoplastic Syndromes, Hereditary; Tumor predisposition; Hereditary neoplastic syndrome; Hereditary Cancer Syndrome. Identifiers: Orphanet 140162, MedGen C0027672, MeSH D009386, MONDO:0015356.
Fanconi anemia complementation group J. Also called: BRIP1-Related Fanconi Anemia. Identifiers: Orphanet 84, MedGen C1836860, MONDO:0012187, OMIM 609054.

Submissions (3):

Myriad Genetics, Inc.
Classification: Benign for Familial cancer of breast. Last evaluated: 2024-08-22. Review status: criteria provided, single submitter. Criteria: Myriad Autosomal Dominant, Autosomal Recessive and X-Linked Classification Criteria (2023). Collection method: clinical testing. Allele origin: unknown.
Comment: This variant is considered benign. This variant is a silent/synonymous amino acid change and it is not expected to impact splicing.

Labcorp Genetics (formerly Invitae), Labcorp
Classification: Likely benign for Familial cancer of breast; Fanconi anemia complementation group J. Last evaluated: 2024-04-15. Review status: criteria provided, single submitter. Criteria: Invitae Variant Classification Sherloc (09022015). Collection method: clinical testing. Allele origin: germline.

Ambry Genetics
Classification: Likely benign for Hereditary cancer-predisposing syndrome. Last evaluated: 2021-01-18. Review status: criteria provided, single submitter. Criteria: Ambry Variant Classification Scheme 2023. Collection method: clinical testing. Allele origin: germline.